The following is an entry in ClinVar:

NM_001367624.2(ZNF469):c.5131G>T (p.Glu1711Ter)

Gene: ZNF469 (zinc finger protein 469; plus strand). Cytogenetic location: 16q24.2.
Variant type: single nucleotide variant.
Coding change: c.5131G>T on transcript NM_001367624.2 (MANE Select); coding-DNA position 5131, G replaced by T.
Protein change: p.Glu1711Ter; replaces glutamic acid 1711 with a stop codon.
Molecular consequence: nonsense.
Genome position (GRCh38, 1-based): chr16:88,432,601, G>T. VCF-style: chr16-88432601-G-T. GRCh37 (hg19) VCF-style: chr16-88499009-G-T.
Other names: short protein forms E1711*.
Identifiers: ClinVar variation 2708650 (VCV002708650.3), dbSNP rs2507589689, ClinGen allele CA397095461.

ClinVar aggregate classification (germline): Pathogenic (1 of 4 stars; one submission).

Submission:

Labcorp Genetics (formerly Invitae), Labcorp
Classification: Pathogenic. Last evaluated: 2024-01-16. Review status: criteria provided, single submitter. Criteria: Invitae Variant Classification Sherloc (09022015). Collection method: clinical testing. Allele origin: germline.
Comment: This sequence change creates a premature translational stop signal (p.Glu1683*) in the ZNF469 gene. While this is not anticipated to result in nonsense mediated decay, it is expected to disrupt the last 2243 amino acid(s) of the ZNF469 protein. This variant is not present in population databases (gnomAD no frequency). This variant has not been reported in the literature in individuals affected with ZNF469-related conditions. This variant disrupts a region of the ZNF469 protein in which other variant(s) (p.Pro3556Glnfs*136) have been determined to be pathogenic (PMID: 32671420). This suggests that this is a clinically significant region of the protein, and that variants that disrupt it are likely to be disease-causing. For these reasons, this variant has been classified as Pathogenic.

Literature cited by the submitters: PubMed 32671420.